The following is an entry in ClinVar:

ClinVar aggregate classification (germline): Uncertain significance (1 of 4 stars; one submission).

gnomAD v4.1: 20 of 1,606,274 alleles (0.0012%); highest among the groups gnomAD compares: Admixed American, 0.029%; no homozygotes.

Submission:

Labcorp Genetics (formerly Invitae), Labcorp
Classification: Uncertain significance. Last evaluated: 2025-05-11. Review status: criteria provided, single submitter. Criteria: Invitae Variant Classification Sherloc (09022015). Collection method: clinical testing. Allele origin: germline.
Comment: This sequence change replaces serine, which is neutral and polar, with alanine, which is neutral and non-polar, at codon 1400 of the CARMIL2 protein (p.Ser1400Ala). This variant is present in population databases (rs534838527, gnomAD 0.03%). This variant has not been reported in the literature in individuals affected with CARMIL2-related conditions. An algorithm developed to predict the effect of missense changes on protein structure and function (PolyPhen-2) suggests that this variant is likely to be disruptive. In summary, the available evidence is currently insufficient to determine the role of this variant in disease. Therefore, it has been classified as a Variant of Uncertain Significance.

NM_001013838.3(CARMIL2):c.4198T>G (p.Ser1400Ala)

Gene: CARMIL2 (capping protein regulator and myosin 1 linker 2; plus strand). Cytogenetic location: 16q22.1.
Variant type: single nucleotide variant.
Coding change: c.4198T>G on transcript NM_001013838.3 (MANE Select); coding-DNA position 4198, T replaced by G.
Protein change: p.Ser1400Ala; replaces serine 1400 with alanine.
Molecular consequence: missense variant.
Genome position (GRCh38, 1-based): chr16:67,657,408, T>G. VCF-style: chr16-67657408-T-G. GRCh37 (hg19) VCF-style: chr16-67691311-T-G.
Other names: c.4009T>G, p.Ser1337Ala (NM_001317026.3); c.4057T>G, p.Ser1353Ala (NM_001438244.1); c.4090T>G, p.Ser1364Ala (NM_001438835.1); short protein forms S1337A, S1353A, S1364A, S1400A.
Identifiers: ClinVar variation 4750791 (VCV004750791.1).